The following is an entry in ClinVar:

ClinVar aggregate classification (germline): Uncertain significance. Review status: criteria provided, multiple submitters, no conflicts (2 of 4 stars). 3 submissions from 3 submitters: Uncertain significance (3). Last evaluated 2025-11-23.

Conditions:
Inborn genetic diseases. Identifiers: MedGen C0950123, MeSH D030342.
Epidermolysis bullosa simplex 5B, with muscular dystrophy (EBS5B). Also called: EPIDERMOLYSIS BULLOSA SIMPLEX AND LIMB-GIRDLE MUSCULAR DYSTROPHY; Epidermolysis bullosa simplex with muscular dystrophy. Identifiers: Orphanet 257, MedGen C2931072, MONDO:0009181, OMIM 226670.
Epidermolysis bullosa simplex, Ogna type (EBS5A). Also called: Pidermolysis bullosa simplex 5A, Ogna type; EPIDERMOLYSIS BULLOSA SIMPLEX 5A, OGNA TYPE. Identifiers: Orphanet 79401, MedGen C0432317, MONDO:0007555, OMIM 131950.
Autosomal recessive limb-girdle muscular dystrophy type 2Q (LGMDR17). Also called: MUSCULAR DYSTROPHY, LIMB-GIRDLE, AUTOSOMAL RECESSIVE 17. Identifiers: Orphanet 254361, MedGen C3150989, MONDO:0013390, OMIM 613723.
Epidermolysis bullosa simplex 5C, with pyloric atresia (EBS5C). Also called: Epidermolysis bullosa simplex with pyloric atresia; PLEC1-Related Epidermolysis Bullosa with Pyloric Atresia; PLEC-Related Epidermolysis Bullosa with Pyloric Atresia. Identifiers: Orphanet 158684, MedGen C2677349, MONDO:0012807, OMIM 612138.
Epidermolysis bullosa simplex with nail dystrophy (EBS5D). Identifiers: MedGen C4225309, MONDO:0014661, OMIM 616487.

Allele frequency attached by ClinVar (database versions not stated): gnomAD below 0.00001 and 0.00001; gnomAD exomes 0.00003 and 0.00005; TOPMed 0.00003; ExAC 0.00006.
gnomAD v4.1: 43 of 1,613,032 alleles (0.0027%); highest among the groups gnomAD compares: South Asian, 0.015%; no homozygotes.

Submissions (3):

Labcorp Genetics (formerly Invitae), Labcorp
Classification: Uncertain significance for Autosomal recessive limb-girdle muscular dystrophy type 2Q; Epidermolysis bullosa simplex, Ogna type; Epidermolysis bullosa simplex with nail dystrophy; Epidermolysis bullosa simplex 5C, with pyloric atresia; Epidermolysis bullosa simplex 5B, with muscular dystrophy. Last evaluated: 2025-11-23. Review status: criteria provided, single submitter. Criteria: Invitae Variant Classification Sherloc (09022015). Collection method: clinical testing. Allele origin: germline.
Comment: This sequence change replaces arginine, which is basic and polar, with histidine, which is basic and polar, at codon 3701 of the PLEC protein (p.Arg3701His). This variant is present in population databases (rs782720846, gnomAD 0.01%). This variant has not been reported in the literature in individuals affected with PLEC-related conditions. ClinVar contains an entry for this variant (Variation ID: 497053). An algorithm developed to predict the effect of missense changes on protein structure and function (PolyPhen-2) suggests that this variant is likely to be disruptive. In summary, the available evidence is currently insufficient to determine the role of this variant in disease. Therefore, it has been classified as a Variant of Uncertain Significance.

Ambry Genetics
Classification: Uncertain significance for Inborn genetic diseases. Last evaluated: 2024-12-08. Review status: criteria provided, single submitter. Criteria: Ambry Variant Classification Scheme 2023. Collection method: clinical testing. Allele origin: germline.

Eurofins Ntd Llc (ga)
Classification: Uncertain significance. Last evaluated: 2017-05-24. Review status: criteria provided, single submitter. Criteria: EGL Classification Definitions 2015. Collection method: clinical testing. Allele origin: germline. Observed: 3 variant alleles, 3 heterozygotes.

NM_201384.3(PLEC):c.11021G>A (p.Arg3674His)

Gene: PLEC (plectin; minus strand). Cytogenetic location: 8q24.3.
Variant type: single nucleotide variant.
Coding change: c.11021G>A on transcript NM_201384.3 (MANE Select); coding-DNA position 11021, G replaced by A.
Protein change: p.Arg3674His; replaces arginine 3674 with histidine.
Molecular consequence: missense variant.
Genome position (GRCh38, 1-based): chr8:143,918,800, C>T on the plus strand (G>A on the coding strand, the complement: PLEC is on the minus strand). VCF-style: chr8-143918800-C-T. GRCh37 (hg19) VCF-style: chr8-144992968-C-T.
Other names: c.11102G>A, p.Arg3701His (NM_000445.5); c.10979G>A, p.Arg3660His (NM_201378.4); c.10955G>A, p.Arg3652His (NM_201379.3); c.11432G>A, p.Arg3811His (NM_201380.4); c.10925G>A, p.Arg3642His (NM_201381.3); c.11021G>A, p.Arg3674His (NM_201382.4); c.11033G>A, p.Arg3678His (NM_201383.3); c.11102G>A (NM_000445.3); short protein forms R3642H, R3652H, R3660H, R3674H, R3678H, R3701H, R3811H.
Identifiers: ClinVar variation 497053 (VCV000497053.14), dbSNP rs782720846, ClinGen allele CA4924457.